The following is an entry in ClinVar:

NM_022089.4(ATP13A2):c.589G>A (p.Val197Ile)

Gene: ATP13A2 (ATPase cation transporting 13A2; minus strand). Cytogenetic location: 1p36.13.
Variant type: single nucleotide variant.
Coding change: c.589G>A on transcript NM_022089.4 (MANE Select); coding-DNA position 589, G replaced by A.
Protein change: p.Val197Ile; replaces valine 197 with isoleucine.
Molecular consequence: missense variant.
Genome position (GRCh38, 1-based): chr1:17,002,342, C>T on the plus strand (G>A on the coding strand, the complement: ATP13A2 is on the minus strand). VCF-style: chr1-17002342-C-T. GRCh37 (hg19) VCF-style: chr1-17328837-C-T.
Other names: c.574G>A, p.Val192Ile (NM_001141973.3, NM_001141974.3); short protein forms V192I, V197I.
Identifiers: ClinVar variation 1750366 (VCV001750366.6), dbSNP rs1466216649, ClinGen allele CA338260355.

ClinVar aggregate classification (germline): Conflicting classifications of pathogenicity. Review status: criteria provided, conflicting classifications (1 of 4 stars). 2 submissions from 2 submitters: Uncertain significance (1); Likely benign (1). Last evaluated 2024-10-25.

Conditions:
Inborn genetic diseases. Identifiers: MedGen C0950123, MeSH D030342.
Autosomal recessive spastic paraplegia type 78. Identifiers: Orphanet 513436, MedGen C5567893, MONDO:0014975, OMIM 617225.
Kufor-Rakeb syndrome (KRS). Also called: PARKINSON DISEASE 9, AUTOSOMAL RECESSIVE, JUVENILE-ONSET. Identifiers: Orphanet 306674, Orphanet 314632, MedGen C1847640, MONDO:0011706, OMIM 606693.

Allele frequency attached by ClinVar (database versions not stated): gnomAD 0.00001; gnomAD exomes 0.00001; TOPMed 0.00001.

Submissions (2):

Labcorp Genetics (formerly Invitae), Labcorp
Classification: Uncertain significance for Kufor-Rakeb syndrome; Autosomal recessive spastic paraplegia type 78. Last evaluated: 2024-10-25. Review status: criteria provided, single submitter. Criteria: Invitae Variant Classification Sherloc (09022015). Collection method: clinical testing. Allele origin: germline.
Comment: This sequence change replaces valine, which is neutral and non-polar, with isoleucine, which is neutral and non-polar, at codon 197 of the ATP13A2 protein (p.Val197Ile). This variant is present in population databases (no rsID available, gnomAD 0.003%). This variant has not been reported in the literature in individuals affected with ATP13A2-related conditions. ClinVar contains an entry for this variant (Variation ID: 1750366). Invitae Evidence Modeling of protein sequence and biophysical properties (such as structural, functional, and spatial information, amino acid conservation, physicochemical variation, residue mobility, and thermodynamic stability) indicates that this missense variant is not expected to disrupt ATP13A2 protein function with a negative predictive value of 80%. In summary, the available evidence is currently insufficient to determine the role of this variant in disease. Therefore, it has been classified as a Variant of Uncertain Significance.

Ambry Genetics
Classification: Likely benign for Inborn genetic diseases. Last evaluated: 2019-02-09. Review status: criteria provided, single submitter. Criteria: Ambry Variant Classification Scheme 2023. Collection method: clinical testing. Allele origin: germline.